The following is an entry in ClinVar:

NM_001042681.2(RERE):c.239C>T (p.Pro80Leu)

Gene: RERE (arginine-glutamic acid dipeptide repeats; minus strand). Cytogenetic location: 1p36.23.
Variant type: single nucleotide variant.
Coding change: c.239C>T on transcript NM_001042681.2 (MANE Select); coding-DNA position 239, C replaced by T.
Protein change: p.Pro80Leu; replaces proline 80 with leucine.
Molecular consequence: missense variant.
Genome position (GRCh38, 1-based): chr1:8,656,059, G>A on the plus strand (C>T on the coding strand, the complement: RERE is on the minus strand). VCF-style: chr1-8656059-G-A. GRCh37 (hg19) VCF-style: chr1-8716118-G-A.
Other names: c.239C>T, p.Pro80Leu (NM_012102.4); short protein forms P80L.
Identifiers: ClinVar variation 3153010 (VCV003153010.3), dbSNP rs139888880, ClinGen allele CA572137.

ClinVar aggregate classification (germline): Uncertain significance. Review status: criteria provided, multiple submitters, no conflicts (2 of 4 stars). 2 submissions from 2 submitters: Uncertain significance (2). Last evaluated 2025-08-15.

Conditions:
Inborn genetic diseases. Identifiers: MedGen C0950123, MeSH D030342.

Allele frequency attached by ClinVar (database versions not stated): gnomAD 0.00017; TOPMed 0.00020; ESP Exome Variant Server 0.00054.
gnomAD v4.1: 70 of 1,613,340 alleles (0.0043%); highest among the groups gnomAD compares: African/African-American, 0.031%; no homozygotes.

Submissions (2):

Labcorp Genetics (formerly Invitae), Labcorp
Classification: Uncertain significance. Last evaluated: 2025-08-15. Review status: criteria provided, single submitter. Criteria: Invitae Variant Classification Sherloc (09022015). Collection method: clinical testing. Allele origin: germline.
Comment: This sequence change replaces proline, which is neutral and non-polar, with leucine, which is neutral and non-polar, at codon 80 of the RERE protein (p.Pro80Leu). This variant is present in population databases (rs139888880, gnomAD 0.03%). This variant has not been reported in the literature in individuals affected with RERE-related conditions. ClinVar contains an entry for this variant (Variation ID: 3153010). Invitae Evidence Modeling of protein sequence and biophysical properties (such as structural, functional, and spatial information, amino acid conservation, physicochemical variation, residue mobility, and thermodynamic stability) indicates that this missense variant is not expected to disrupt RERE protein function with a negative predictive value of 95%. In summary, the available evidence is currently insufficient to determine the role of this variant in disease. Therefore, it has been classified as a Variant of Uncertain Significance.

Ambry Genetics
Classification: Uncertain significance for Inborn genetic diseases. Last evaluated: 2023-09-20. Review status: criteria provided, single submitter. Criteria: Ambry Variant Classification Scheme 2023. Collection method: clinical testing. Allele origin: germline.